The following is an entry in ClinVar:

ClinVar aggregate classification (germline): Likely benign. Review status: criteria provided, multiple submitters, no conflicts (2 of 4 stars). 2 submissions from 2 submitters: Likely benign (2). Last evaluated 2024-07-01.

Conditions:
Cardiovascular phenotype. Identifiers: MedGen CN230736.

Allele frequency attached by ClinVar (database versions not stated): gnomAD exomes 0.00001; TOPMed 0.00003; gnomAD 0.00004.
gnomAD v4.1: 10 of 1,603,998 alleles (0.00062%); highest among the groups gnomAD compares: African/African-American, 0.0081%; no homozygotes.

Submissions (2):

CeGaT Center for Human Genetics Tuebingen
Classification: Likely benign. Last evaluated: 2024-07-01. Review status: criteria provided, single submitter. Criteria: CeGaT Center For Human Genetics Tuebingen Variant Classification Criteria Version 2. Collection method: clinical testing. Allele origin: germline. Affected: yes. Observed: 1 variant allele.
Comment: GPIHBP1: BP4, BP7

Ambry Genetics
Classification: Likely benign for Cardiovascular phenotype. Last evaluated: 2022-10-27. Review status: criteria provided, single submitter. Criteria: Ambry Variant Classification Scheme 2023. Collection method: clinical testing. Allele origin: germline.

NM_178172.6(GPIHBP1):c.222C>T (p.Asp74=)

Gene: GPIHBP1 (glycosylphosphatidylinositol anchored high density lipoprotein binding protein 1; plus strand). Cytogenetic location: 8q24.3.
Variant type: single nucleotide variant.
Coding change: c.222C>T on transcript NM_178172.6 (MANE Select); coding-DNA position 222, C replaced by T.
Protein change: p.Asp74=; no amino-acid change (aspartic acid 74 retained).
Molecular consequence: synonymous variant.
Genome position (GRCh38, 1-based): chr8:143,215,053, C>T. VCF-style: chr8-143215053-C-T. GRCh37 (hg19) VCF-style: chr8-144296928-C-T.
Other names: c.222C>T, p.Asp74= (NM_001301772.2).
Identifiers: ClinVar variation 1788076 (VCV001788076.19), dbSNP rs1325904686, ClinGen allele CA463506863.
Genomic context (GRCh38, chr8:143,215,053, plus strand): 5'-TGAGCCCGCCTTGTCCCCAGTGCTGCTGCGGTGCTACACCTGCAAGTCCCTGCCCAGGGA[C>T]GAGCGCTGCAACCTGACGCAGAACTGCTCACATGGCCAGACCTGCACAACCCTCATTGCC-3'
Protein context (NP_835466.2, residues 64-84): RCYTCKSLPR[Asp74=]ERCNLTQNCS